The following is an entry in ClinVar:

ClinVar aggregate classification (germline): Uncertain significance (1 of 4 stars; one submission).

Allele frequency attached by ClinVar (database versions not stated): gnomAD 0.00001; ExAC 0.00002; TOPMed 0.00003; gnomAD exomes 0.00005.
gnomAD v4.1: 72 of 1,614,060 alleles (0.0045%); highest among the groups gnomAD compares: Non-Finnish European, 0.0058%; no homozygotes.

Submission:

CeGaT Center for Human Genetics Tuebingen
Classification: Uncertain significance. Last evaluated: 2022-09-01. Review status: criteria provided, single submitter. Criteria: CeGaT Center For Human Genetics Tuebingen Variant Classification Criteria Version 2. Collection method: clinical testing. Allele origin: germline. Affected: yes. Observed: 1 variant allele.
Comment: TRIO: PM2:Supporting, BP4

NM_007118.4(TRIO):c.3021C>G (p.Leu1007=)

Gene: TRIO (trio Rho guanine nucleotide exchange factor; plus strand). Cytogenetic location: 5p15.2.
Variant type: single nucleotide variant.
Coding change: c.3021C>G on transcript NM_007118.4 (MANE Select); coding-DNA position 3021, C replaced by G.
Protein change: p.Leu1007=; no amino-acid change (leucine 1007 retained).
Molecular consequence: synonymous variant. On other transcripts: non-coding transcript variant (1).
Genome position (GRCh38, 1-based): chr5:14,368,854, C>G. VCF-style: chr5-14368854-C-G. GRCh37 (hg19) VCF-style: chr5-14368963-C-G.
Identifiers: ClinVar variation 2655321 (VCV002655321.24), dbSNP rs756381004, ClinGen allele CA3206058.